The following is an entry in ClinVar:

ClinVar aggregate classification (germline): Pathogenic (0 of 4 stars; one submission).

Conditions:
21-Hydroxylase-Deficient Congenital Adrenal Hyperplasia. Also called: ADRENAL HYPERPLASIA, CONGENITAL, DUE TO 21-HYDROXYLASE DEFICIENCY; ADRENAL HYPERPLASIA III. Identifiers: MedGen C2936858, OMIM 201910.

Submission:

Department of Pediatric Endocrinology and Inherited Metabolic Diseases, Children's Hospital of Fudan University
Classification: Pathogenic for 21-Hydroxylase-Deficient Congenital Adrenal Hyperplasia. Last evaluated: 2021-05-18. Review status: no assertion criteria provided. Collection method: clinical testing. Allele origin: unknown. Inheritance: Autosomal recessive inheritance. Affected: yes. Observed: 1 variant allele, 1 compound heterozygote.

NM_000500.9(CYP21A2):c.651+2T>G

Genes: CYP21A2 (cytochrome P450 family 21 subfamily A member 2; plus strand), LOC106780800 (CYP21A2 recombination region; plus strand). Cytogenetic location: 6p21.33.
Variant type: single nucleotide variant.
Coding change: c.651+2T>G on transcript NM_000500.9 (MANE Select); the canonical splice donor site of the intron after coding-DNA position 651, T replaced by G.
Molecular consequence: splice donor variant.
Genome position (GRCh38, 1-based): chr6:32,039,649, T>G. VCF-style: chr6-32039649-T-G. GRCh37 (hg19) VCF-style: chr6-32007426-T-G.
Other names: c.246+2T>G (NM_001368143.2, NM_001368144.2); c.561+2T>G (NM_001128590.4).
Identifiers: ClinVar variation 1119979 (VCV001119979.2), dbSNP rs2151873259, ClinGen allele CA363504379.
Genomic context (GRCh38, chr6:32,039,649, plus strand): 5'-TGTTAAAAACCTGGAGCCACTGGTCCATCCAAATTGTGGACGTGATTCCCTTTCTCAGGG[T>G]GAGGACCTGGAGCCTAGACACCCCTGGGTTGTAGGGGAGAGGCTGGGGTGGAGGGAGAGG-3'